The following is an entry in ClinVar:

NM_014991.6(WDFY3):c.8915C>T (p.Pro2972Leu)

Gene: WDFY3 (WD repeat and FYVE domain containing 3; minus strand). Cytogenetic location: 4q21.23.
Variant type: single nucleotide variant.
Coding change: c.8915C>T on transcript NM_014991.6 (MANE Select); coding-DNA position 8915, C replaced by T.
Protein change: p.Pro2972Leu; replaces proline 2972 with leucine.
Molecular consequence: missense variant.
Genome position (GRCh38, 1-based): chr4:84,693,019, G>A on the plus strand (C>T on the coding strand, the complement: WDFY3 is on the minus strand). VCF-style: chr4-84693019-G-A. GRCh37 (hg19) VCF-style: chr4-85614172-G-A.
Other names: short protein forms P2972L.
Identifiers: ClinVar variation 1310484 (VCV001310484.2), dbSNP rs2148867016, ClinGen allele CA357538332.

ClinVar aggregate classification (germline): Uncertain significance (1 of 4 stars; one submission).

Submission:

GeneDx
Classification: Uncertain significance. Last evaluated: 2019-11-18. Review status: criteria provided, single submitter. Criteria: GeneDx Variant Classification Process June 2021. Collection method: clinical testing. Allele origin: germline. Affected: yes.
Comment: Not observed in large population cohorts (Lek et al., 2016); In silico analysis, which includes protein predictors and evolutionary conservation, supports a deleterious effect; Has not been previously published as pathogenic or benign to our knowledge